The following is an entry in ClinVar:

ClinVar aggregate classification (germline): Likely pathogenic (1 of 4 stars; one submission).

Conditions:
8q24.3 microdeletion syndrome. Also called: CHROMOSOME 8q24.3 DELETION SYNDROME; Verheij syndrome. Identifiers: Orphanet 508488, MedGen C3810023, MONDO:0014263, OMIM 615583.

Submission:

Variantyx, Inc.
Classification: Likely pathogenic for 8q24.3 microdeletion syndrome. Last evaluated: 2025-12-19. Review status: criteria provided, single submitter. Criteria: Variantyx Assertion Criteria 2022. Collection method: clinical testing. Allele origin: germline. Inheritance: Autosomal recessive inheritance. Affected: yes.
Comment: This is a nonsense variant in the PUF60 gene (OMIM: 604819). Pathogenic variants in this gene have been associated with autosomal dominant Verheij syndrome. This variant introduces a premature termination codon in exon 10 out of 12 and is expected to result in loss of function, which is a known disease mechanism for PUF60 in this disorder (PMID: 27804958, 28327570) (PVS1). This variant is absent from control populations (PM2) and has not been reported in individuals with PUF60-related disorders in the databases available for review. Based on the current evidence, this variant is classified as likely pathogenic for autosomal dominant Verheij syndrome.

Literature cited by the submitters: PubMed 27804958; PubMed 28327570.

NM_078480.3(PUF60):c.1105C>T (p.Gln369Ter)

Gene: PUF60 (poly(U) binding splicing factor 60; minus strand). Cytogenetic location: 8q24.3.
Variant type: single nucleotide variant.
Coding change: c.1105C>T on transcript NM_078480.3 (MANE Select); coding-DNA position 1105, C replaced by T.
Protein change: p.Gln369Ter; replaces glutamine 369 with a stop codon.
Molecular consequence: nonsense.
Genome position (GRCh38, 1-based): chr8:143,817,370, G>A on the plus strand (C>T on the coding strand, the complement: PUF60 is on the minus strand). VCF-style: chr8-143817370-G-A. GRCh37 (hg19) VCF-style: chr8-144899540-G-A.
Other names: c.976C>T, p.Gln326Ter (NM_001136033.3); c.1051C>T, p.Gln351Ter (NM_001271096.2); c.967C>T, p.Gln323Ter (NM_001271097.2); c.1102C>T, p.Gln368Ter (NM_001271098.2); c.1018C>T, p.Gln340Ter (NM_001271099.2); c.925C>T, p.Gln309Ter (NM_001271100.2); c.1216C>T, p.Gln406Ter (NM_001362895.2, NM_001362896.2); c.1165C>T, p.Gln389Ter (NM_001362897.2); and 1 more; short protein forms Q309*, Q323*, Q326*, Q340*, Q351*, Q352*, Q368*, Q369*.
Identifiers: ClinVar variation 4813846 (VCV004813846.1).
Genomic context (GRCh38, chr8:143,817,370, plus strand): 5'-CTGGTACCACTTAAGACTCACCTGTGATGACTCCAGGTGCCTGGGCAGCCATGACAGCCT[G>A]GGGCAAAGTGCCCAGGGGCTGGGCCAGGGTCAGTGCTGGGGACACCAGTCCAGGTGTGCC-3'